The following is an entry in ClinVar:

ClinVar aggregate classification (germline): Uncertain significance (1 of 4 stars; one submission).

Conditions:
Autosomal recessive limb-girdle muscular dystrophy type 2J (LGMDR10). Also called: Limb-girdle muscular dystrophy, type 2J; MUSCULAR DYSTROPHY, LIMB-GIRDLE, AUTOSOMAL RECESSIVE 10. Identifiers: Orphanet 140922, MedGen C1837342, MONDO:0012127, OMIM 608807.
Dilated cardiomyopathy 1G (CMD1G). Identifiers: Orphanet 154, MedGen C1858763, MONDO:0011400, OMIM 604145.

gnomAD v4.1: 1 of 1,613,962 alleles (0.000062%); highest among the groups gnomAD compares: Non-Finnish European, 0.000085%; no homozygotes.

Submission:

Labcorp Genetics (formerly Invitae), Labcorp
Classification: Uncertain significance for Dilated cardiomyopathy 1G; Autosomal recessive limb-girdle muscular dystrophy type 2J. Last evaluated: 2025-11-30. Review status: criteria provided, single submitter. Criteria: Invitae Variant Classification Sherloc (09022015). Collection method: clinical testing. Allele origin: germline.
Comment: This sequence change replaces glutamic acid, which is acidic and polar, with aspartic acid, which is acidic and polar, at codon 35566 of the TTN protein (p.Glu35566Asp). This variant is not present in population databases (gnomAD no frequency). This variant has not been reported in the literature in individuals affected with TTN-related conditions. Experimental studies and prediction algorithms are not available or were not evaluated, and the functional significance of this variant is currently unknown. This variant is located in the M band of TTN (PMID: 25589632). Non-truncating variants in this region may be relevant for neuromuscular disorders, but have not been definitively shown to cause cardiomyopathy (PMID: 23975875). In summary, the available evidence is currently insufficient to determine the role of this variant in disease. Therefore, it has been classified as a Variant of Uncertain Significance.

Literature cited by the submitters: PubMed 25589632; PubMed 23975875.

NM_001267550.2(TTN):c.106698A>C (p.Glu35566Asp)

Genes: TTN (titin; minus strand), TTN-AS1 (TTN antisense RNA 1; plus strand). Cytogenetic location: 2q31.2.
Variant type: single nucleotide variant.
Coding change: c.106698A>C on transcript NM_001267550.2 (MANE Select); coding-DNA position 106698, A replaced by C.
Protein change: p.Glu35566Asp; replaces glutamic acid 35566 with aspartic acid.
Molecular consequence: missense variant.
Genome position (GRCh38, 1-based): chr2:178,529,053, T>G on the plus strand (A>C on the coding strand, the complement: TTN is on the minus strand). VCF-style: chr2-178529053-T-G. GRCh37 (hg19) VCF-style: chr2-179393780-T-G.
Other names: c.101775A>C, p.Glu33925Asp (NM_001256850.1); c.79503A>C, p.Glu26501Asp (NM_003319.4); c.98994A>C, p.Glu32998Asp (NM_133378.4); c.79878A>C, p.Glu26626Asp (NM_133432.3); c.80079A>C, p.Glu26693Asp (NM_133437.4); short protein forms E26501D, E35566D, E26626D, E26693D, E32998D, E33925D.
Identifiers: ClinVar variation 4786861 (VCV004786861.1).
Genomic context (GRCh38, chr2:178,529,053, plus strand): 5'-TTTTTCCAGGGAGGTTGCTGCTGATTTCTTGACTTCTTCAGAAATCAGAACCTTTGAAGC[T>G]TCCTCTTTGAGGGCTAACTTTTCTTGAGATTTTGCCTCTGACATCTTAATTTCTTCAGAC-3'
Protein context (NP_001254479.2, residues 35556-35576): KSQEKLALKE[Glu35566Asp]ASKVLISEEV